The following is an entry in ClinVar:

NM_004366.6(CLCN2):c.219C>T (p.Arg73=)

Gene: CLCN2 (chloride voltage-gated channel 2; minus strand). Cytogenetic location: 3q27.1.
Variant type: single nucleotide variant.
Coding change: c.219C>T on transcript NM_004366.6 (MANE Select); coding-DNA position 219, C replaced by T.
Protein change: p.Arg73=; no amino-acid change (arginine 73 retained).
Molecular consequence: synonymous variant.
Genome position (GRCh38, 1-based): chr3:184,358,976, G>A on the plus strand (C>T on the coding strand, the complement: CLCN2 is on the minus strand). VCF-style: chr3-184358976-G-A. GRCh37 (hg19) VCF-style: chr3-184076764-G-A.
Other names: c.219C>T, p.Arg73= (NM_001171087.3, NM_001171088.3, NM_001171089.3).
Identifiers: ClinVar variation 1415545 (VCV001415545.8), dbSNP rs749161399, ClinGen allele CA2734574.

ClinVar aggregate classification (germline): Uncertain significance (1 of 4 stars; one submission).

Allele frequency attached by ClinVar (database versions not stated): gnomAD exomes below 0.00001 and 0.00001; ExAC 0.00001; gnomAD 0.00001.
gnomAD v4.1: 17 of 1,613,246 alleles (0.0011%); highest among the groups gnomAD compares: South Asian, 0.0033%; no homozygotes.

Submission:

Labcorp Genetics (formerly Invitae), Labcorp
Classification: Uncertain significance. Last evaluated: 2021-12-02. Review status: criteria provided, single submitter. Criteria: Invitae Variant Classification Sherloc (09022015). Collection method: clinical testing. Allele origin: germline.
Comment: This variant is present in population databases (rs749161399, gnomAD 0.003%). In summary, the available evidence is currently insufficient to determine the role of this variant in disease. Therefore, it has been classified as a Variant of Uncertain Significance. Algorithms developed to predict the effect of sequence changes on RNA splicing suggest that this variant may disrupt the consensus splice site. This variant has not been reported in the literature in individuals affected with CLCN2-related conditions. This sequence change affects codon 73 of the CLCN2 mRNA. It is a 'silent' change, meaning that it does not change the encoded amino acid sequence of the CLCN2 protein. It affects a nucleotide within the consensus splice site.